The following is an entry in ClinVar:

NM_000222.3(KIT):c.1010A>G (p.Tyr337Cys)

Gene: KIT (KIT proto-oncogene, receptor tyrosine kinase; plus strand). Cytogenetic location: 4q12.
Variant type: single nucleotide variant.
Coding change: c.1010A>G on transcript NM_000222.3 (MANE Select); coding-DNA position 1010, A replaced by G.
Protein change: p.Tyr337Cys; replaces tyrosine 337 with cysteine.
Molecular consequence: missense variant.
Genome position (GRCh38, 1-based): chr4:54,707,182, A>G. VCF-style: chr4-54707182-A-G. GRCh37 (hg19) VCF-style: chr4-55573348-A-G.
Other names: c.1010A>G, p.Tyr337Cys (NM_001093772.2, NM_001385285.1, NM_001385286.1); c.1013A>G, p.Tyr338Cys (NM_001385284.1, NM_001385288.1, NM_001385290.1 and 1 more transcripts); short protein forms Y337C, Y338C.
Identifiers: ClinVar variation 1727299 (VCV001727299.5), dbSNP rs2475478756, ClinGen allele CA356900951.

ClinVar aggregate classification (germline): Uncertain significance. Review status: criteria provided, multiple submitters, no conflicts (2 of 4 stars). 2 submissions from 2 submitters: Uncertain significance (2). Last evaluated 2024-09-24.

Conditions:
Gastrointestinal stromal tumor. Also called: Gastrointestinal stroma tumor; Gastrointestinal stromal tumor, somatic. Identifiers: Orphanet 44890, MedGen C0238198, MeSH D046152, MONDO:0011719, OMIM 606764, HP:0100723.
Hereditary cancer-predisposing syndrome. Also called: Tumor predisposition; Neoplastic Syndromes, Hereditary; Hereditary Cancer Syndrome; Hereditary neoplastic syndrome. Identifiers: Orphanet 140162, MedGen C0027672, MeSH D009386, MONDO:0015356.

Submissions (2):

Labcorp Genetics (formerly Invitae), Labcorp
Classification: Uncertain significance for Gastrointestinal stromal tumor. Last evaluated: 2024-09-24. Review status: criteria provided, single submitter. Criteria: Invitae Variant Classification Sherloc (09022015). Collection method: clinical testing. Allele origin: germline.
Comment: This sequence change replaces tyrosine, which is neutral and polar, with cysteine, which is neutral and slightly polar, at codon 337 of the KIT protein (p.Tyr337Cys). This variant is not present in population databases (gnomAD no frequency). This variant has not been reported in the literature in individuals affected with KIT-related conditions. ClinVar contains an entry for this variant (Variation ID: 1727299). An algorithm developed to predict the effect of missense changes on protein structure and function (PolyPhen-2) suggests that this variant is likely to be disruptive. In summary, the available evidence is currently insufficient to determine the role of this variant in disease. Therefore, it has been classified as a Variant of Uncertain Significance.

Ambry Genetics
Classification: Uncertain significance for Hereditary cancer-predisposing syndrome. Last evaluated: 2022-04-24. Review status: criteria provided, single submitter. Criteria: Ambry Variant Classification Scheme 2023. Collection method: clinical testing. Allele origin: germline.
Comment: The p.Y337C variant (also known as c.1010A>G), located in coding exon 6 of the KIT gene, results from an A to G substitution at nucleotide position 1010. The tyrosine at codon 337 is replaced by cysteine, an amino acid with highly dissimilar properties. This amino acid position is conserved. In addition, the in silico prediction for this alteration is inconclusive. Since supporting evidence is limited at this time, the clinical significance of this alteration remains unclear.